The following is an entry in ClinVar:

NM_015909.4(NBAS):c.4705T>G (p.Leu1569Val)

Gene: NBAS (NBAS subunit of NRZ tethering complex; minus strand). Cytogenetic location: 2p24.3.
Variant type: single nucleotide variant.
Coding change: c.4705T>G on transcript NM_015909.4 (MANE Select); coding-DNA position 4705, T replaced by G.
Protein change: p.Leu1569Val; replaces leucine 1569 with valine.
Molecular consequence: missense variant. On other transcripts: non-coding transcript variant (1).
Genome position (GRCh38, 1-based): chr2:15,308,308, A>C on the plus strand (T>G on the coding strand, the complement: NBAS is on the minus strand). VCF-style: chr2-15308308-A-C. GRCh37 (hg19) VCF-style: chr2-15448432-A-C.
Other names: short protein forms L1569V.
Identifiers: ClinVar variation 2047197 (VCV002047197.4), dbSNP rs1671120763, ClinGen allele CA345893368.

ClinVar aggregate classification (germline): Uncertain significance (1 of 4 stars; one submission).

Allele frequency attached by ClinVar (database versions not stated): gnomAD exomes below 0.00001; TOPMed below 0.00001.
gnomAD v4.1: 5 of 1,614,228 alleles (0.00031%); highest among the groups gnomAD compares: Non-Finnish European, 0.00042%; no homozygotes.

Submission:

Labcorp Genetics (formerly Invitae), Labcorp
Classification: Uncertain significance. Last evaluated: 2021-12-18. Review status: criteria provided, single submitter. Criteria: Invitae Variant Classification Sherloc (09022015). Collection method: clinical testing. Allele origin: germline.
Comment: In summary, the available evidence is currently insufficient to determine the role of this variant in disease. Therefore, it has been classified as a Variant of Uncertain Significance. Algorithms developed to predict the effect of sequence changes on RNA splicing suggest that this variant may create or strengthen a splice site. Algorithms developed to predict the effect of missense changes on protein structure and function output the following: SIFT: "Deleterious"; PolyPhen-2: "Possibly Damaging"; Align-GVGD: "Class C25". The valine amino acid residue is found in multiple mammalian species, which suggests that this missense change does not adversely affect protein function. This variant has not been reported in the literature in individuals affected with NBAS-related conditions. This variant is not present in population databases (gnomAD no frequency). This sequence change replaces leucine, which is neutral and non-polar, with valine, which is neutral and non-polar, at codon 1569 of the NBAS protein (p.Leu1569Val).